The following is an entry in ClinVar:

ClinVar aggregate classification (germline): Likely benign (1 of 4 stars; one submission).

gnomAD v4.1: 3 of 1,596,182 alleles (0.00019%); highest among the groups gnomAD compares: East Asian, 0.0067%; no homozygotes.

Submission:

GeneDx
Classification: Likely benign. Last evaluated: 2017-01-09. Review status: criteria provided, single submitter. Criteria: GeneDx Variant Classification (06012015). Collection method: clinical testing. Allele origin: germline. Affected: yes.
Comment: This variant is considered likely benign or benign based on one or more of the following criteria: it is a conservative change, it occurs at a poorly conserved position in the protein, it is predicted to be benign by multiple in silico algorithms, and/or has population frequency not consistent with disease.

NM_001330260.2(SCN8A):c.707-15A>G

Gene: SCN8A (sodium voltage-gated channel alpha subunit 8; plus strand). Cytogenetic location: 12q13.13.
Variant type: single nucleotide variant.
Coding change: c.707-15A>G on transcript NM_001330260.2 (MANE Select); 15 bases into the intron before coding-DNA position 707, A replaced by G.
Molecular consequence: intron variant.
Genome position (GRCh38, 1-based): chr12:51,699,555, A>G. VCF-style: chr12-51699555-A-G. GRCh37 (hg19) VCF-style: chr12-52093339-A-G.
Other names: c.707-15A>G (NM_014191.4, NM_001177984.3, NM_001369788.1).
Identifiers: ClinVar variation 392596 (VCV000392596.1), dbSNP rs149586118, ClinGen allele CA16606311.